The following is an entry in ClinVar:

ClinVar aggregate classification (germline): Uncertain significance (1 of 4 stars; one submission).

Allele frequency attached by ClinVar (database versions not stated): gnomAD exomes below 0.00001.
gnomAD v4.1: 1 of 1,614,176 alleles (0.000062%); highest among the groups gnomAD compares: Admixed American, 0.0017%; no homozygotes.

Submission:

Labcorp Genetics (formerly Invitae), Labcorp
Classification: Uncertain significance. Last evaluated: 2023-04-14. Review status: criteria provided, single submitter. Criteria: Invitae Variant Classification Sherloc (09022015). Collection method: clinical testing. Allele origin: germline.
Comment: This sequence change replaces serine, which is neutral and polar, with cysteine, which is neutral and slightly polar, at codon 429 of the ICK protein (p.Ser429Cys). In summary, the available evidence is currently insufficient to determine the role of this variant in disease. Therefore, it has been classified as a Variant of Uncertain Significance. Advanced modeling of protein sequence and biophysical properties (such as structural, functional, and spatial information, amino acid conservation, physicochemical variation, residue mobility, and thermodynamic stability) has been performed at Invitae for this missense variant, however the output from this modeling did not meet the statistical confidence thresholds required to predict the impact of this variant on ICK protein function. ClinVar contains an entry for this variant (Variation ID: 2168033). This variant has not been reported in the literature in individuals affected with ICK-related conditions. This variant is present in population databases (no rsID available, gnomAD 0.003%).

NM_014920.5(CILK1):c.1286C>G (p.Ser429Cys)

Gene: CILK1 (ciliogenesis associated kinase 1; minus strand). Cytogenetic location: 6p12.1.
Variant type: single nucleotide variant.
Coding change: c.1286C>G on transcript NM_014920.5 (MANE Select); coding-DNA position 1286, C replaced by G.
Protein change: p.Ser429Cys; replaces serine 429 with cysteine.
Molecular consequence: missense variant. On other transcripts: non-coding transcript variant (1).
Genome position (GRCh38, 1-based): chr6:53,012,094, G>C on the plus strand (C>G on the coding strand, the complement: CILK1 is on the minus strand). VCF-style: chr6-53012094-G-C. GRCh37 (hg19) VCF-style: chr6-52876892-G-C.
Other names: c.1307C>G, p.Ser436Cys (NM_001375397.1); c.1286C>G, p.Ser429Cys (NM_001375398.1, NM_001375399.1, NM_001375400.1 and 3 more transcripts); short protein forms S429C, S436C.
Identifiers: ClinVar variation 2168033 (VCV002168033.4), dbSNP rs1382610761, ClinGen allele CA364467488.